The following is an entry in ClinVar:

ClinVar aggregate classification (germline): Uncertain significance (1 of 4 stars; one submission).

Conditions:
Hereditary cancer-predisposing syndrome. Also called: Tumor predisposition; Neoplastic Syndromes, Hereditary; Hereditary neoplastic syndrome; Hereditary Cancer Syndrome. Identifiers: Orphanet 140162, MedGen C0027672, MeSH D009386, MONDO:0015356.

Submission:

Ambry Genetics
Classification: Uncertain significance for Hereditary cancer-predisposing syndrome. Last evaluated: 2025-08-27. Review status: criteria provided, single submitter. Criteria: Ambry Variant Classification Scheme 2023. Collection method: clinical testing. Allele origin: germline.
Comment: The p.V496L variant (also known as c.1486G>C), located in coding exon 15 of the MUTYH gene, results from a G to C substitution at nucleotide position 1486. The valine at codon 496 is replaced by leucine, an amino acid with highly similar properties. This amino acid position is conserved. In addition, this alteration is predicted to be tolerated by in silico analysis. Based on the available evidence, the clinical significance of this variant remains unclear.

NM_001048174.2(MUTYH):c.1402G>C (p.Val468Leu)

Gene: MUTYH (mutY DNA glycosylase; minus strand). Cytogenetic location: 1p34.1.
Variant type: single nucleotide variant.
Coding change: c.1402G>C on transcript NM_001048174.2 (MANE Select); coding-DNA position 1402, G replaced by C.
Protein change: p.Val468Leu; replaces valine 468 with leucine.
Molecular consequence: missense variant. On other transcripts: non-coding transcript variant (7).
Genome position (GRCh38, 1-based): chr1:45,330,548, C>G on the plus strand (G>C on the coding strand, the complement: MUTYH is on the minus strand). VCF-style: chr1-45330548-C-G. GRCh37 (hg19) VCF-style: chr1-45796220-C-G.
Other names: c.1318G>C, p.Val440Leu (NM_001407075.1); c.1435G>C, p.Val479Leu (NM_001407077.1, NM_001293191.2, NM_001407069.1); c.1405G>C, p.Val469Leu (NM_001407078.1, NM_001407086.1, NM_001048172.2 and 1 more transcripts); c.1363G>C, p.Val455Leu (NM_001407079.1); c.1360G>C, p.Val454Leu (NM_001407080.1); c.1402G>C, p.Val468Leu (NM_001407081.1, NM_001048171.2, NM_001048173.2 and 6 more transcripts); c.1057G>C, p.Val353Leu (NM_001407082.1, NM_001350650.2, NM_001350651.2); c.1444G>C, p.Val482Leu (NM_001407083.1, NM_001407085.1); and 5 more; short protein forms V353L, V455L, V493L, V479L, V376L, V454L, V469L, V475L.
Identifiers: ClinVar variation 4113272 (VCV004113272.1).